The following is an entry in ClinVar:

ClinVar aggregate classification (germline): Uncertain significance. Review status: criteria provided, multiple submitters, no conflicts (2 of 4 stars). 2 submissions from 2 submitters: Uncertain significance (2). Last evaluated 2026-01-26.

Conditions:
PMM2-congenital disorder of glycosylation. Also called: PHOSPHOMANNOMUTASE 2 DEFICIENCY; CARBOHYDRATE-DEFICIENT GLYCOPROTEIN SYNDROME, TYPE Ia; CDG Ia; JAEKEN SYNDROME; PMM2-CDG; Congenital disorder of glycosylation, type Ia. Identifiers: Orphanet 79318, MedGen C0349653, MONDO:0008907, OMIM 212065.

gnomAD v4.1: 3 of 1,575,976 alleles (0.00019%); highest among the groups gnomAD compares: African/African-American, 0.0041%; no homozygotes.

Submissions (2):

GeneDx
Classification: Uncertain significance. Last evaluated: 2026-01-26. Review status: criteria provided, single submitter. Criteria: GeneDx Variant Classification Process June 2021. Collection method: clinical testing. Allele origin: germline.
Comment: Not observed at significant frequency in large population cohorts (gnomAD); In silico analysis supports that this missense variant has a deleterious effect on protein structure/function; Has not been previously published as pathogenic or benign to our knowledge

Fulgent Genetics
Classification: Uncertain significance for PMM2-congenital disorder of glycosylation. Last evaluated: 2024-04-02. Review status: criteria provided, single submitter. Criteria: ACMG Guidelines, 2015. Collection method: clinical testing. Allele origin: germline.

NM_000303.3(PMM2):c.411C>G (p.Ser137Arg)

Gene: PMM2 (phosphomannomutase 2; plus strand). Cytogenetic location: 16p13.2.
Variant type: single nucleotide variant.
Coding change: c.411C>G on transcript NM_000303.3 (MANE Select); coding-DNA position 411, C replaced by G.
Protein change: p.Ser137Arg; replaces serine 137 with arginine.
Molecular consequence: missense variant.
Genome position (GRCh38, 1-based): chr16:8,811,142, C>G. VCF-style: chr16-8811142-C-G. GRCh37 (hg19) VCF-style: chr16-8904999-C-G.
Other names: c.411C>G (NM_000303.2); short protein forms S137R.
Identifiers: ClinVar variation 3581390 (VCV003581390.2).